The following is an entry in ClinVar:

NM_003458.4(BSN):c.10714G>T (p.Glu3572Ter)

Gene: BSN (bassoon presynaptic cytomatrix protein; plus strand). Cytogenetic location: 3p21.31.
Variant type: single nucleotide variant.
Coding change: c.10714G>T on transcript NM_003458.4 (MANE Select); coding-DNA position 10714, G replaced by T.
Protein change: p.Glu3572Ter; replaces glutamic acid 3572 with a stop codon.
Molecular consequence: nonsense.
Genome position (GRCh38, 1-based): chr3:49,662,559, G>T. VCF-style: chr3-49662559-G-T. GRCh37 (hg19) VCF-style: chr3-49699992-G-T.
Other names: short protein forms E3572*.
Identifiers: ClinVar variation 4531052 (VCV004531052.1).

ClinVar aggregate classification (germline): Uncertain significance (1 of 4 stars; one submission).

Submission:

GeneDx
Classification: Uncertain significance. Last evaluated: 2025-05-22. Review status: criteria provided, single submitter. Criteria: GeneDx Variant Classification Process June 2021. Collection method: clinical testing. Allele origin: germline. Affected: yes.
Comment: Not observed at significant frequency in large population cohorts (gnomAD); Nonsense variant predicted to result in protein truncation or nonsense mediated decay in a gene or region of a gene for which loss of function is not a well-established mechanism of disease; Has not been previously published as pathogenic or benign to our knowledge